The following is an entry in ClinVar:

NM_015425.6(POLR1A):c.4077T>A (p.Asn1359Lys)

Gene: POLR1A (RNA polymerase I subunit A; minus strand). Cytogenetic location: 2p11.2.
Variant type: single nucleotide variant.
Coding change: c.4077T>A on transcript NM_015425.6 (MANE Select); coding-DNA position 4077, T replaced by A.
Protein change: p.Asn1359Lys; replaces asparagine 1359 with lysine.
Molecular consequence: missense variant.
Genome position (GRCh38, 1-based): chr2:86,033,745, A>T on the plus strand (T>A on the coding strand, the complement: POLR1A is on the minus strand). VCF-style: chr2-86033745-A-T. GRCh37 (hg19) VCF-style: chr2-86260868-A-T.
Other names: short protein forms N1359K.
Identifiers: ClinVar variation 2718636 (VCV002718636.3), dbSNP rs2466316853, ClinGen allele CA347548965.

ClinVar aggregate classification (germline): Uncertain significance (1 of 4 stars; one submission).

Submission:

Labcorp Genetics (formerly Invitae), Labcorp
Classification: Uncertain significance. Last evaluated: 2026-01-19. Review status: criteria provided, single submitter. Criteria: Invitae Variant Classification Sherloc (09022015). Collection method: clinical testing. Allele origin: germline.
Comment: This sequence change replaces asparagine, which is neutral and polar, with lysine, which is basic and polar, at codon 1359 of the POLR1A protein (p.Asn1359Lys). This variant is not present in population databases (gnomAD no frequency). This variant has not been reported in the literature in individuals affected with POLR1A-related conditions. ClinVar contains an entry for this variant (Variation ID: 2718636). Invitae Evidence Modeling of protein sequence and biophysical properties (such as structural, functional, and spatial information, amino acid conservation, physicochemical variation, residue mobility, and thermodynamic stability) indicates that this missense variant is not expected to disrupt POLR1A protein function with a negative predictive value of 80%. In summary, the available evidence is currently insufficient to determine the role of this variant in disease. Therefore, it has been classified as a Variant of Uncertain Significance.